The following is an entry in ClinVar:

NM_002971.6(SATB1):c.1279C>T (p.Arg427Trp)

Gene: SATB1 (SATB homeobox 1; minus strand). Cytogenetic location: 3p24.3.
Variant type: single nucleotide variant.
Coding change: c.1279C>T on transcript NM_002971.6 (MANE Select); coding-DNA position 1279, C replaced by T.
Protein change: p.Arg427Trp; replaces arginine 427 with tryptophan.
Molecular consequence: missense variant.
Genome position (GRCh38, 1-based): chr3:18,386,539, G>A on the plus strand (C>T on the coding strand, the complement: SATB1 is on the minus strand). VCF-style: chr3-18386539-G-A. GRCh37 (hg19) VCF-style: chr3-18428031-G-A.
Other names: c.1279C>T, p.Arg427Trp (NM_001131010.4, NM_001195470.3, NM_001322871.2 and 4 more transcripts); c.1063C>T, p.Arg355Trp (NM_001322876.2); short protein forms R355W, R427W.
Identifiers: ClinVar variation 4759485 (VCV004759485.1).
Genomic context (GRCh38, chr3:18,386,539, plus strand): 5'-CGTCCTGGTATATTCGGTCTCTTTCAGCTTCCGGTAACTGCAAGAAATTCTGCATAGCCC[G>A]AAGGTTTACCAGCAAAGACTGGGATGCAGTCTTGGGGTCCTCTTCCTTTCGGAGGATTTC-3'
Protein context (NP_002962.1, residues 417-437): TASQSLLVNL[Arg427Trp]AMQNFLQLPE

ClinVar aggregate classification (germline): Uncertain significance (1 of 4 stars; one submission).

Conditions:
Developmental delay with dysmorphic facies and dental anomalies. Identifiers: MedGen C5543197, MONDO:0030988, OMIM 619228.

Submission:

Illumina Laboratory Services, Illumina
Classification: Uncertain significance for Developmental delay with dysmorphic facies and dental anomalies. Last evaluated: 2024-04-18. Review status: criteria provided, single submitter. Criteria: ISL SNV Classification Criteria 03 February 2026. Collection method: clinical testing. Allele origin: unknown.
Comment: The SATB1 c.1279C>T p.(Arg427Trp) missense variant has not, to our knowledge, been reported in the peer-reviewed literature. This variant is not observed in version 2.1.1 or version 4.0.0 of the Genome Aggregation Database. This variant is located in a known functional domain (PMID: 33513338).Based on the available evidence, the c.1279C>T p.(Arg427Trp) variant is classified as a variant of uncertain significance for SATB1-related neurodevelopmental disorder.

Literature cited by the submitters: PubMed 33513338.